The following is an entry in ClinVar:

NM_004006.3(DMD):c.8056G>C (p.Glu2686Gln)

Gene: DMD (dystrophin; minus strand). Cytogenetic location: Xp21.1.
Variant type: single nucleotide variant.
Coding change: c.8056G>C on transcript NM_004006.3 (MANE Select); coding-DNA position 8056, G replaced by C.
Protein change: p.Glu2686Gln; replaces glutamic acid 2686 with glutamine.
Molecular consequence: missense variant.
Genome position (GRCh38, 1-based): chrX:31,627,834, C>G on the plus strand (G>C on the coding strand, the complement: DMD is on the minus strand). VCF-style: chrX-31627834-C-G. GRCh37 (hg19) VCF-style: chrX-31645951-C-G.
Other names: c.8032G>C, p.Glu2678Gln (NM_000109.4); c.8044G>C, p.Glu2682Gln (NM_004009.3); c.7687G>C, p.Glu2563Gln (NM_004010.3); c.4033G>C, p.Glu1345Gln (NM_004011.4); c.4024G>C, p.Glu1342Gln (NM_004012.4); c.676G>C, p.Glu226Gln (NM_004013.3, NM_004020.4, NM_004021.3 and 2 more transcripts); short protein forms E1342Q, E1345Q, E226Q, E2563Q, E2678Q, E2682Q, E2686Q.
Identifiers: ClinVar variation 2440819 (VCV002440819.6), dbSNP rs1569140347, ClinGen allele CA412657396.

ClinVar aggregate classification (germline): Uncertain significance. Review status: criteria provided, multiple submitters, no conflicts (2 of 4 stars). 2 submissions from 2 submitters: Uncertain significance (2). Last evaluated 2025-08-04.

Conditions:
Duchenne muscular dystrophy (DMD). Also called: Duchenne Muscular Dystrophy (DMD); MUSCULAR DYSTROPHY, PSEUDOHYPERTROPHIC PROGRESSIVE, DUCHENNE TYPE. Identifiers: Orphanet 98896, MedGen C0013264, MONDO:0010679, OMIM 310200.

Allele frequency attached by ClinVar (database versions not stated): gnomAD exomes 0.00001.
gnomAD v4.1: 7 of 1,209,911 alleles (0.00058%); highest among the groups gnomAD compares: Non-Finnish European, 0.00078%; no homozygotes.

Submissions (2):

Labcorp Genetics (formerly Invitae), Labcorp
Classification: Uncertain significance for Duchenne muscular dystrophy. Last evaluated: 2025-08-04. Review status: criteria provided, single submitter. Criteria: Invitae Variant Classification Sherloc (09022015). Collection method: clinical testing. Allele origin: germline.
Comment: This sequence change replaces glutamic acid, which is acidic and polar, with glutamine, which is neutral and polar, at codon 2686 of the DMD protein (p.Glu2686Gln). This variant is not present in population databases (gnomAD no frequency). This variant has not been reported in the literature in individuals affected with DMD-related conditions. ClinVar contains an entry for this variant (Variation ID: 2440819). Invitae Evidence Modeling of protein sequence and biophysical properties (such as structural, functional, and spatial information, amino acid conservation, physicochemical variation, residue mobility, and thermodynamic stability) indicates that this missense variant is not expected to disrupt DMD protein function with a negative predictive value of 95%. In summary, the available evidence is currently insufficient to determine the role of this variant in disease. Therefore, it has been classified as a Variant of Uncertain Significance.

Revvity Omics, Revvity
Classification: Uncertain significance. Last evaluated: 2021-09-17. Review status: criteria provided, single submitter. Criteria: ACMG Guidelines, 2015. Collection method: clinical testing. Allele origin: germline.